The following is an entry in ClinVar:

ClinVar aggregate classification (germline): Uncertain significance (1 of 4 stars; one submission).

Conditions:
Neutropenia, severe congenital, 2, autosomal dominant. Identifiers: Orphanet 486, MedGen C2751288, MONDO:0013139, OMIM 613107.

Allele frequency attached by ClinVar (database versions not stated): ExAC 0.00001; gnomAD exomes 0.00001.
gnomAD v4.1: 9 of 1,614,002 alleles (0.00056%); highest among the groups gnomAD compares: Non-Finnish European, 0.00068%; no homozygotes.

Submission:

Labcorp Genetics (formerly Invitae), Labcorp
Classification: Uncertain significance for Neutropenia, severe congenital, 2, autosomal dominant. Last evaluated: 2023-03-03. Review status: criteria provided, single submitter. Criteria: Invitae Variant Classification Sherloc (09022015). Collection method: clinical testing. Allele origin: germline.
Comment: In summary, the available evidence is currently insufficient to determine the role of this variant in disease. Therefore, it has been classified as a Variant of Uncertain Significance. Advanced modeling of protein sequence and biophysical properties (such as structural, functional, and spatial information, amino acid conservation, physicochemical variation, residue mobility, and thermodynamic stability) performed at Invitae indicates that this missense variant is expected to disrupt GFI1 protein function. This variant has not been reported in the literature in individuals affected with GFI1-related conditions. This variant is present in population databases (rs763658393, gnomAD 0.0009%). This sequence change replaces arginine, which is basic and polar, with cysteine, which is neutral and slightly polar, at codon 388 of the GFI1 protein (p.Arg388Cys).

NM_005263.5(GFI1):c.1162C>T (p.Arg388Cys)

Genes: GFI1 (growth factor independent 1 transcriptional repressor; minus strand), LOC129930930 (ATAC-STARR-seq lymphoblastoid active region 1314; plus strand). Cytogenetic location: 1p22.1.
Variant type: single nucleotide variant.
Coding change: c.1162C>T on transcript NM_005263.5 (MANE Select); coding-DNA position 1162, C replaced by T.
Protein change: p.Arg388Cys; replaces arginine 388 with cysteine.
Molecular consequence: missense variant.
Genome position (GRCh38, 1-based): chr1:92,476,136, G>A on the plus strand (C>T on the coding strand, the complement: GFI1 is on the minus strand). VCF-style: chr1-92476136-G-A. GRCh37 (hg19) VCF-style: chr1-92941693-G-A.
Other names: c.1162C>T, p.Arg388Cys (NM_001127215.3, NM_001127216.3); short protein forms R388C.
Identifiers: ClinVar variation 2804394 (VCV002804394.3), dbSNP rs763658393, ClinGen allele CA951232.
Genomic context (GRCh38, chr1:92,476,136, plus strand): 5'-TCCTCTGGAAACCCTTCCCACAGAGGTCGCAGCCGAAGGGCTTGAAGCCTGTGTGTTTGC[G>A]GCTGTGGGTGATGAGGTTGGAGCTCTGGCTGAATGCCTTGCCGCACACCTGGCACTTGTG-3'
Protein context (NP_005254.2, residues 378-398): SQSSNLITHS[Arg388Cys]KHTGFKPFGC